The following is an entry in ClinVar:

NM_005733.3(KIF20A):c.1600A>C (p.Ser534Arg)

Gene: KIF20A (kinesin family member 20A; plus strand). Cytogenetic location: 5q31.2.
Variant type: single nucleotide variant.
Coding change: c.1600A>C on transcript NM_005733.3 (MANE Select); coding-DNA position 1600, A replaced by C.
Protein change: p.Ser534Arg; replaces serine 534 with arginine.
Molecular consequence: missense variant.
Genome position (GRCh38, 1-based): chr5:138,184,593, A>C. VCF-style: chr5-138184593-A-C. GRCh37 (hg19) VCF-style: chr5-137520282-A-C.
Other names: short protein forms S534R.
Identifiers: ClinVar variation 3675560 (VCV003675560.2).

ClinVar aggregate classification (germline): Uncertain significance (1 of 4 stars; one submission).

Submission:

Labcorp Genetics (formerly Invitae), Labcorp
Classification: Uncertain significance. Last evaluated: 2024-11-29. Review status: criteria provided, single submitter. Criteria: Invitae Variant Classification Sherloc (09022015). Collection method: clinical testing. Allele origin: germline.
Comment: This sequence change replaces serine, which is neutral and polar, with arginine, which is basic and polar, at codon 534 of the KIF20A protein (p.Ser534Arg). This variant is not present in population databases (gnomAD no frequency). This variant has not been reported in the literature in individuals affected with KIF20A-related conditions. An algorithm developed to predict the effect of missense changes on protein structure and function (PolyPhen-2) suggests that this variant is likely to be tolerated. In summary, the available evidence is currently insufficient to determine the role of this variant in disease. Therefore, it has been classified as a Variant of Uncertain Significance.